The following is an entry in ClinVar:

ClinVar aggregate classification (germline): Likely pathogenic. Review status: criteria provided, multiple submitters, no conflicts (2 of 4 stars). 2 submissions from 2 submitters: Likely pathogenic (2). Last evaluated 2018-02-23.

Conditions:
Intellectual developmental disorder, autosomal recessive 47. Also called: Intellectual disability, autosomal recessive 47. Identifiers: Orphanet 88616, MedGen C4015444, MONDO:0014524, OMIM 616193.

Submissions (2):

Geisinger Autism and Developmental Medicine Institute, Geisinger Health System
Classification: Likely pathogenic for Intellectual developmental disorder, autosomal recessive 47. Last evaluated: 2018-02-23. Review status: criteria provided, single submitter. Criteria: ACMG Guidelines, 2015. Collection method: provider interpretation, clinical testing. Allele origin: de novo. Observed: 1 variant allele.
Comment: The variant is absent from the gnomAD database, and it was found to be de novo (with maternity and paternity confirmed). Computational prediction models are inconsistent. A second variant in FMN2 was not identified. Additionally, whole exome sequencing also identified another variant of uncertain significance.

GeneDx
Classification: Likely pathogenic. Last evaluated: 2015-11-13. Review status: criteria provided, single submitter. Criteria: GeneDx Variant Classification (06012015). Collection method: clinical testing. Allele origin: germline. Affected: yes.
Comment: The I183F variant in the FMN2 gene has not been reported previously as a pathogenic variant, nor as a benign variant, to our knowledge. The I183F variant was not observed in approximately 6500 individuals of European and African American ancestry in the NHLBI Exome Sequencing Project, indicating it is not a common benign variant in these populations. The I183F variant is a conservative amino acid substitution, which is not likely to impact secondary protein structure as these residues share similar properties. This substitution occurs at a position where amino acids with similar properties to Isoleucine are tolerated across species. In silico analysis is inconsistent in its predictions as to whether or not the variant is damaging to the protein structure/function. The I183F variant is a strong candidate for a pathogenic variant, however the possibility it may be a rare benign variant cannot be excluded.

NM_020066.5(FMN2):c.547A>T (p.Ile183Phe)

Gene: FMN2 (formin 2; plus strand). Cytogenetic location: 1q43.
Variant type: single nucleotide variant.
Coding change: c.547A>T on transcript NM_020066.5 (MANE Select); coding-DNA position 547, A replaced by T.
Protein change: p.Ile183Phe; replaces isoleucine 183 with phenylalanine.
Molecular consequence: missense variant.
Genome position (GRCh38, 1-based): chr1:240,092,656, A>T. VCF-style: chr1-240092656-A-T. GRCh37 (hg19) VCF-style: chr1-240255956-A-T.
Other names: c.547A>T, p.Ile183Phe (NM_001305424.2, NM_001348094.2); short protein forms I183F.
Identifiers: ClinVar variation 429780 (VCV000429780.4), dbSNP rs757511770, ClinGen allele CA345429708.